The following is an entry in ClinVar:

ClinVar aggregate classification (germline): Benign. Review status: criteria provided, multiple submitters, no conflicts (2 of 4 stars). 3 submissions from 3 submitters: Benign (2). 1 of the submissions does not count toward it. Last evaluated 2026-02-01.

Conditions:
MRPS34-related disorder. Also called: MRPS34-related condition.

Allele frequency attached by ClinVar (database versions not stated): ESP Exome Variant Server 0.01035; 1000 Genomes Project 30x 0.01202; 1000 Genomes Project 0.01238.
gnomAD v4.1: 27,050 of 1,607,310 alleles (1.7%); highest among the groups gnomAD compares: South Asian, 3.5%; 316 homozygotes.

Submissions (3):

Labcorp Genetics (formerly Invitae), Labcorp
Classification: Benign. Last evaluated: 2026-02-01. Review status: criteria provided, single submitter. Criteria: Invitae Variant Classification Sherloc (09022015). Collection method: clinical testing. Allele origin: germline.

Breakthrough Genomics
Classification: Benign. Review status: criteria provided, single submitter. Criteria: ACMG Guidelines, 2015. Collection method: not provided. Allele origin: germline. Inheritance: Autosomal recessive inheritance. Affected: yes.

PreventionGenetics, part of Exact Sciences
Classification: Benign for MRPS34-related condition. Last evaluated: 2024-03-13. Review status: no assertion criteria provided. Collection method: clinical testing. Allele origin: germline. Not counted in ClinVar's aggregate classification.
Comment: This variant is classified as benign based on ACMG/AMP sequence variant interpretation guidelines (Richards et al. 2015 PMID: 25741868, with internal and published modifications).

NM_023936.2(MRPS34):c.327G>C (p.Leu109Phe)

Gene: MRPS34 (mitochondrial ribosomal protein S34; minus strand). Cytogenetic location: 16p13.3.
Variant type: single nucleotide variant.
Coding change: c.327G>C on transcript NM_023936.2 (MANE Select); coding-DNA position 327, G replaced by C.
Protein change: p.Leu109Phe; replaces leucine 109 with phenylalanine.
Molecular consequence: missense variant.
Genome position (GRCh38, 1-based): chr16:1,772,641, C>G on the plus strand (G>C on the coding strand, the complement: MRPS34 is on the minus strand). VCF-style: chr16-1772641-C-G. GRCh37 (hg19) VCF-style: chr16-1822642-C-G.
Other names: c.327G>C (NM_001300900.1); c.327G>C, p.Leu109Phe (NM_001300900.2); short protein forms L109F.
Identifiers: ClinVar variation 1541583 (VCV001541583.10), dbSNP rs11552434, ClinGen allele CA7818395.